The following is an entry in ClinVar:

NM_000535.7(PMS2):c.2543C>A (p.Pro848Gln)

Gene: PMS2 (PMS1 homolog 2, mismatch repair system component; minus strand). Cytogenetic location: 7p22.1.
Variant type: single nucleotide variant.
Coding change: c.2543C>A on transcript NM_000535.7 (MANE Select); coding-DNA position 2543, C replaced by A.
Protein change: p.Pro848Gln; replaces proline 848 with glutamine.
Molecular consequence: missense variant. On other transcripts: non-coding transcript variant (1).
Genome position (GRCh38, 1-based): chr7:5,973,445, G>T on the plus strand (C>A on the coding strand, the complement: PMS2 is on the minus strand). VCF-style: chr7-5973445-G-T. GRCh37 (hg19) VCF-style: chr7-6013076-G-T.
Other names: c.2375C>A, p.Pro792Gln (NM_001406872.1, NM_001406874.1); c.2234C>A, p.Pro745Gln (NM_001406877.1, NM_001406878.1, NM_001406879.1 and 4 more transcripts); c.2345C>A, p.Pro782Gln (NM_001406873.1); c.2267C>A, p.Pro756Gln (NM_001406875.1); c.2258C>A, p.Pro753Gln (NM_001406876.1); c.2138C>A, p.Pro713Gln (NM_001018040.1, NM_001322003.2, NM_001322004.2 and 12 more transcripts); c.2387C>A, p.Pro796Gln (NM_001322006.2); c.2225C>A, p.Pro742Gln (NM_001322007.2, NM_001322008.2, NM_001406883.1); and 20 more; short protein forms P447Q, P537Q, P591Q, P609Q, P657Q, P661Q, P677Q, P686Q.
Identifiers: ClinVar variation 3232020 (VCV003232020.1), dbSNP rs786201850, ClinGen allele CA366734828.

ClinVar aggregate classification (germline): Uncertain significance (1 of 4 stars; one submission).

Conditions:
Hereditary cancer-predisposing syndrome. Also called: Neoplastic Syndromes, Hereditary; Tumor predisposition; Hereditary neoplastic syndrome; Hereditary Cancer Syndrome. Identifiers: Orphanet 140162, MedGen C0027672, MeSH D009386, MONDO:0015356.

Submission:

Ambry Genetics
Classification: Uncertain significance for Hereditary cancer-predisposing syndrome. Last evaluated: 2023-10-08. Review status: criteria provided, single submitter. Criteria: Ambry Variant Classification Scheme 2023. Collection method: clinical testing. Allele origin: germline.
Comment: The p.P848Q variant (also known as c.2543C>A), located in coding exon 15 of the PMS2 gene, results from a C to A substitution at nucleotide position 2543. The proline at codon 848 is replaced by glutamine, an amino acid with similar properties. This amino acid position is conserved. In addition, this alteration is predicted to be deleterious by in silico analysis. Since supporting evidence is limited at this time, the clinical significance of this alteration remains unclear.